The following is an entry in ClinVar:

ClinVar aggregate classification (germline): Uncertain significance (1 of 4 stars; one submission).

gnomAD v4.1: 33 of 1,612,266 alleles (0.002%); highest among the groups gnomAD compares: East Asian, 0.038%; no homozygotes.

Submission:

Labcorp Genetics (formerly Invitae), Labcorp
Classification: Uncertain significance. Last evaluated: 2024-12-12. Review status: criteria provided, single submitter. Criteria: Invitae Variant Classification Sherloc (09022015). Collection method: clinical testing. Allele origin: germline.
Comment: This sequence change replaces alanine, which is neutral and non-polar, with valine, which is neutral and non-polar, at codon 86 of the PGAP2 protein (p.Ala86Val). This variant is present in population databases (rs751191276, gnomAD 0.01%). This variant has not been reported in the literature in individuals affected with PGAP2-related conditions. Invitae Evidence Modeling of protein sequence and biophysical properties (such as structural, functional, and spatial information, amino acid conservation, physicochemical variation, residue mobility, and thermodynamic stability) indicates that this missense variant is not expected to disrupt PGAP2 protein function with a negative predictive value of 80%. In summary, the available evidence is currently insufficient to determine the role of this variant in disease. Therefore, it has been classified as a Variant of Uncertain Significance.

NM_014489.4(PGAP2):c.440C>T (p.Ala147Val)

Gene: PGAP2 (post-GPI attachment to proteins 2; plus strand). Cytogenetic location: 11p15.4.
Variant type: single nucleotide variant.
Coding change: c.440C>T on transcript NM_014489.4 (MANE Select); coding-DNA position 440, C replaced by T.
Protein change: p.Ala147Val; replaces alanine 147 with valine.
Molecular consequence: missense variant. On other transcripts: synonymous variant (3), non-coding transcript variant (12), intron variant (1).
Genome position (GRCh38, 1-based): chr11:3,823,974, C>T. VCF-style: chr11-3823974-C-T. GRCh37 (hg19) VCF-style: chr11-3845204-C-T.
Other names: c.440C>T, p.Ala147Val (NM_001256236.2, NM_001346403.1); c.257C>T, p.Ala86Val (NM_001256237.2, NM_001256238.2, NM_001256239.2 and 7 more transcripts); c.180C>T, p.Gly60= (NM_001283039.2); c.410C>T, p.Ala137Val (NM_001346397.2); c.267C>T, p.Gly89= (NM_001346399.2, NM_001346401.2); c.377C>T, p.Ala126Val (NM_001346402.2); c.162-296C>T (NM_001283040.1); c.311C>T, p.Ala104Val (NM_001256235.2); short protein forms A137V, A104V, A147V, A126V, A143V, A204V, A86V.
Identifiers: ClinVar variation 3710395 (VCV003710395.2).